The following is an entry in ClinVar:

NM_000255.4(MMUT):c.1454_1464del (p.Val485fs)

Gene: MMUT (methylmalonyl-CoA mutase; minus strand). Cytogenetic location: 6p12.3.
Variant type: Deletion.
Coding change: c.1454_1464del on transcript NM_000255.4 (MANE Select); coding-DNA positions 1454 to 1464, 11 bases deleted (TAATTGTTGGA).
Protein change: p.Val485fs; shifts the reading frame from valine 485.
Molecular consequence: frameshift variant.
Genome position (GRCh38, 1-based): chr6:49,447,766-49,447,776, TCCAACAATTA deleted on the plus strand (TAATTGTTGGA on the coding strand, the reverse complement: MMUT is on the minus strand). VCF-style (leftmost placement, unchanged base first): chr6-49447765-CTCCAACAATTA-C. GRCh37 (hg19) VCF-style: chr6-49415478-CTCCAACAATTA-C.
Other names: short protein forms V485fs.
Identifiers: ClinVar variation 5012386 (VCV005012386.1).
Genomic context (GRCh38, chr6:49,447,765, plus strand): 5'-AAGTATTATCAATTGCCAGAACTTCTACAGCGTCTTCTTTTTCCAACTGGTACTTATTTA[CTCCAACAATTA>C]CTTCAGAACCTGGTAATTTCCCAAAGAAAAATTTTATTCACAAATAATTACCTAATTGTA-3'

ClinVar aggregate classification (germline): Pathogenic (1 of 4 stars; one submission).

Conditions:
Methylmalonic aciduria due to methylmalonyl-CoA mutase deficiency (MAMM). Also called: Methylmalonic aciduria, mut type. Identifiers: Orphanet 27, MedGen C1855114, MONDO:0009612, OMIM 251000.

Submission:

Myriad Genetics, Inc.
Classification: Pathogenic for Methylmalonic aciduria due to methylmalonyl-CoA mutase deficiency. Last evaluated: 2023-10-13. Review status: criteria provided, single submitter. Criteria: Myriad Autosomal Dominant, Autosomal Recessive and X-Linked Classification Criteria (2023). Collection method: clinical testing. Allele origin: unknown.
Comment: NM_000255.3(MMUT):c.1454_1464del11(V485Gfs*3) is expected to be pathogenic in the context of methylmalonic acidemia, MMUT-related. This variant is predicted to lead to an abnormal or absent protein product due to the creation of a premature termination codon in MMUT, a gene where loss-of-function variants are known to be pathogenic. Please note: this variant was assessed in the context of healthy population screening.